The following is an entry in ClinVar:

NM_001130823.3(DNMT1):c.4148T>C (p.Val1383Ala)

Gene: DNMT1 (DNA methyltransferase 1; minus strand). Cytogenetic location: 19p13.2.
Variant type: single nucleotide variant.
Coding change: c.4148T>C on transcript NM_001130823.3 (MANE Select); coding-DNA position 4148, T replaced by C.
Protein change: p.Val1383Ala; replaces valine 1383 with alanine.
Molecular consequence: missense variant.
Genome position (GRCh38, 1-based): chr19:10,137,977, A>G on the plus strand (T>C on the coding strand, the complement: DNMT1 is on the minus strand). VCF-style: chr19-10137977-A-G. GRCh37 (hg19) VCF-style: chr19-10248653-A-G.
Other names: c.4100T>C, p.Val1367Ala (NM_001318730.2, NM_001379.4); c.3785T>C, p.Val1262Ala (NM_001318731.2); short protein forms V1367A, V1262A, V1383A.
Identifiers: ClinVar variation 4743064 (VCV004743064.1).

ClinVar aggregate classification (germline): Uncertain significance (1 of 4 stars; one submission).

Conditions:
Hereditary sensory neuropathy-deafness-dementia syndrome. Also called: NEUROPATHY, HEREDITARY SENSORY, WITH HEARING LOSS AND DEMENTIA; Hereditary Sensory and Autonomic Neuropathy Type 1E (HSAN1E); HSN IE; Hereditary sensory neuropathy type IE. Identifiers: Orphanet 456318, MedGen C3279885, MONDO:0013584, OMIM 614116.

Submission:

Labcorp Genetics (formerly Invitae), Labcorp
Classification: Uncertain significance for Hereditary sensory neuropathy-deafness-dementia syndrome. Last evaluated: 2025-07-22. Review status: criteria provided, single submitter. Criteria: Invitae Variant Classification Sherloc (09022015). Collection method: clinical testing. Allele origin: germline.
Comment: This sequence change replaces valine, which is neutral and non-polar, with alanine, which is neutral and non-polar, at codon 1383 of the DNMT1 protein (p.Val1383Ala). This variant is not present in population databases (gnomAD no frequency). This variant has not been reported in the literature in individuals affected with DNMT1-related conditions. Invitae Evidence Modeling of protein sequence and biophysical properties (such as structural, functional, and spatial information, amino acid conservation, physicochemical variation, residue mobility, and thermodynamic stability) indicates that this missense variant is expected to disrupt DNMT1 protein function with a positive predictive value of 80%. In summary, the available evidence is currently insufficient to determine the role of this variant in disease. Therefore, it has been classified as a Variant of Uncertain Significance.